The following is an entry in ClinVar:

NM_006261.5(PROP1):c.211C>T (p.Arg71Cys)

Gene: PROP1 (PROP paired-like homeobox 1; minus strand). Cytogenetic location: 5q35.3.
Variant type: single nucleotide variant.
Coding change: c.211C>T on transcript NM_006261.5 (MANE Select); coding-DNA position 211, C replaced by T.
Protein change: p.Arg71Cys; replaces arginine 71 with cysteine.
Molecular consequence: missense variant.
Genome position (GRCh38, 1-based): chr5:177,994,237, G>A on the plus strand (C>T on the coding strand, the complement: PROP1 is on the minus strand). VCF-style: chr5-177994237-G-A. GRCh37 (hg19) VCF-style: chr5-177421238-G-A.
Other names: c.211C>T (NM_006261.4); short protein forms R71C.
Identifiers: ClinVar variation 2678070 (VCV002678070.16), dbSNP rs758285552, ClinGen allele CA3587579.
Genomic context (GRCh38, chr5:177,994,237, plus strand): 5'-TCCTCCCAAAGGCTGACTCCAGCTGTTCCAACTGCACTGGGCTGAAGGTGGTGCGGTGGC[G>A]GCGCCGGGAGTGCGGGCGGCCCCTCTGTCCTCCTTGCGGGGAGAACCTTGATCTCCCCCC-3'
Protein context (NP_006252.4, residues 61-81): GQRGRPHSRR[Arg71Cys]HRTTFSPVQL

ClinVar aggregate classification (germline): Pathogenic/Likely pathogenic. Review status: criteria provided, multiple submitters, no conflicts (2 of 4 stars). 5 submissions from 5 submitters: Pathogenic (2); Likely pathogenic (3). Last evaluated 2025-11-01.

Conditions:
PROP1-related disorder. Also called: PROP1-related condition.
Pituitary hormone deficiency, combined, 2. Also called: ATELIOTIC DWARFISM WITH HYPOGONADISM; HANHART DWARFISM; PITUITARY DWARFISM III; PROP1-Related Combined Pituitary Hormone Deficiency. Identifiers: MedGen C0878683, MONDO:0009878, OMIM 262600.

Allele frequency attached by ClinVar (database versions not stated): gnomAD 0.00001; ExAC 0.00003; gnomAD exomes 0.00003.

Submissions (5):

CeGaT Center for Human Genetics Tuebingen
Classification: Likely pathogenic. Last evaluated: 2025-11-01. Review status: criteria provided, single submitter. Criteria: CeGaT Center For Human Genetics Tuebingen Variant Classification Criteria Version 2. Collection method: clinical testing. Allele origin: germline. Affected: yes. Observed: 1 variant allele.
Comment: PROP1: PP1:Strong, PM2, PM3

Natera, Inc.
Classification: Likely pathogenic for Combined pituitary hormone deficiency type 2. Last evaluated: 2025-09-09. Review status: criteria provided, single submitter. Criteria: Natera Variant Classification Schema (03/2026). Collection method: clinical testing. Allele origin: germline.
Comment: The c.211C>T variant in PROP1 is a missense variant predicted to cause substitution of arginine to cysteine at amino acid 71. This variant is rare in the general population with a frequency below the threshold expected for the associated phenotype(s). This variant has been observed in one or more individuals affected with the associated recessive disease, as either homozygous or compound heterozygous with a second variant (PMID: 30266296, 36984475, 12859410). Additionally, this variant has been observed to segregate in affected family members (PMID: 12859410). A different variant at the same position has been determined to be Pathogenic or Likely Pathogenic. Computational prediction algorithms indicate this variant is likely to affect gene or protein function. Given the available evidence, this variant is classified as Likely Pathogenic.

Blueprint Genetics
Classification: Pathogenic for PROP1-related disorders. Last evaluated: 2024-09-02. Review status: criteria provided, single submitter. Criteria: ACMG Guidelines, 2015. Collection method: clinical testing. Allele origin: germline. Affected: yes. Observed: 4 variant alleles.

Labcorp Genetics (formerly Invitae), Labcorp
Classification: Pathogenic. Last evaluated: 2024-08-05. Review status: criteria provided, single submitter. Criteria: Invitae Variant Classification Sherloc (09022015). Collection method: clinical testing. Allele origin: germline.
Comment: This sequence change replaces arginine, which is basic and polar, with cysteine, which is neutral and slightly polar, at codon 71 of the PROP1 protein (p.Arg71Cys). This variant is present in population databases (rs758285552, gnomAD 0.01%). This missense change has been observed in individuals with combined pituitary hormone deficiency (PMID: 12859410, 36984475). It has also been observed to segregate with disease in related individuals. Advanced modeling of protein sequence and biophysical properties (such as structural, functional, and spatial information, amino acid conservation, physicochemical variation, residue mobility, and thermodynamic stability) has been performed at Invitae for this missense variant, however the output from this modeling did not meet the statistical confidence thresholds required to predict the impact of this variant on PROP1 protein function. For these reasons, this variant has been classified as Pathogenic.

Juno Genomics, Hangzhou Juno Genomics, Inc
Classification: Likely pathogenic for Pituitary hormone deficiency, combined, 2. Review status: criteria provided, single submitter. Criteria: ACMG Guidelines, 2015. Collection method: clinical testing. Allele origin: germline. Affected: yes.
Comment: Absent from controls (or at extremely low frequency if recessive) in Genome Aggregation Database, Exome Sequencing Project, 1000 Genomes Project, or Exome Aggregation Consortium.;Multiple lines of computational evidence support a deleterious effect on the gene or gene product (conservation, evolutionary, splicing impact, etc).;For recessive disorders, detected in trans with a pathogenic variant.;Co-segregation with disease in multiple affected family members in a gene definitively known to cause the disease.

Literature cited by the submitters: PubMed 30266296 (cited by Natera, Inc.); PubMed 36984475 (cited by Natera, Inc. and Labcorp Genetics (formerly Invitae), Labcorp); PubMed 12859410 (cited by Natera, Inc. and Labcorp Genetics (formerly Invitae), Labcorp).